The following is an entry in ClinVar:

ClinVar aggregate classification (germline): Uncertain significance (1 of 4 stars; one submission).

Submission:

GeneDx
Classification: Uncertain significance. Last evaluated: 2024-12-23. Review status: criteria provided, single submitter. Criteria: GeneDx Variant Classification Process June 2021. Collection method: clinical testing. Allele origin: germline. Affected: yes.
Comment: Not observed at significant frequency in large population cohorts (gnomAD); In silico analysis supports that this missense variant has a deleterious effect on protein structure/function; Has not been previously published as pathogenic or benign to our knowledge

NM_183357.3(ADCY5):c.3713G>C (p.Arg1238Pro)

Gene: ADCY5 (adenylate cyclase 5; minus strand). Cytogenetic location: 3q21.1.
Variant type: single nucleotide variant.
Coding change: c.3713G>C on transcript NM_183357.3 (MANE Select); coding-DNA position 3713, G replaced by C.
Protein change: p.Arg1238Pro; replaces arginine 1238 with proline.
Molecular consequence: missense variant.
Genome position (GRCh38, 1-based): chr3:123,284,681, C>G on the plus strand (G>C on the coding strand, the complement: ADCY5 is on the minus strand). VCF-style: chr3-123284681-C-G. GRCh37 (hg19) VCF-style: chr3-123003528-C-G.
Other names: c.2663G>C, p.Arg888Pro (NM_001199642.1); c.3788G>C, p.Arg1263Pro (NM_001378259.1); short protein forms R1238P, R1263P, R888P.
Identifiers: ClinVar variation 3906374 (VCV003906374.1).